The following is an entry in ClinVar:

ClinVar aggregate classification (germline): Uncertain significance (1 of 4 stars; one submission).

Allele frequency attached by ClinVar (database versions not stated): TOPMed below 0.00001; gnomAD exomes 0.00001.
gnomAD v4.1: 8 of 1,607,904 alleles (0.0005%); highest among the groups gnomAD compares: Non-Finnish European, 0.00017%; no homozygotes.

Submission:

Labcorp Genetics (formerly Invitae), Labcorp
Classification: Uncertain significance. Last evaluated: 2023-05-13. Review status: criteria provided, single submitter. Criteria: Invitae Variant Classification Sherloc (09022015). Collection method: clinical testing. Allele origin: germline.
Comment: In summary, the available evidence is currently insufficient to determine the role of this variant in disease. Therefore, it has been classified as a Variant of Uncertain Significance. An algorithm developed to predict the effect of missense changes on protein structure and function (PolyPhen-2) suggests that this variant is likely to be disruptive. This variant has not been reported in the literature in individuals affected with KANK4-related conditions. This variant is present in population databases (rs200891951, gnomAD 0.01%). This sequence change replaces alanine, which is neutral and non-polar, with valine, which is neutral and non-polar, at codon 593 of the KANK4 protein (p.Ala593Val).

NM_181712.5(KANK4):c.1778C>T (p.Ala593Val)

Gene: KANK4 (KN motif and ankyrin repeat domains 4; minus strand). Cytogenetic location: 1p31.3.
Variant type: single nucleotide variant.
Coding change: c.1778C>T on transcript NM_181712.5 (MANE Select); coding-DNA position 1778, C replaced by T.
Protein change: p.Ala593Val; replaces alanine 593 with valine.
Molecular consequence: missense variant. On other transcripts: intron variant (1).
Genome position (GRCh38, 1-based): chr1:62,273,326, G>A on the plus strand (C>T on the coding strand, the complement: KANK4 is on the minus strand). VCF-style: chr1-62273326-G-A. GRCh37 (hg19) VCF-style: chr1-62738998-G-A.
Other names: c.17-1737C>T (NM_001320269.2); short protein forms A593V.
Identifiers: ClinVar variation 2897281 (VCV002897281.3), dbSNP rs200891951, ClinGen allele CA23695483.